The following is an entry in ClinVar:

ClinVar aggregate classification (germline): Pathogenic (1 of 4 stars; one submission).

Submission:

GeneDx
Classification: Pathogenic. Last evaluated: 2023-03-23. Review status: criteria provided, single submitter. Criteria: GeneDx Variant Classification Process June 2021. Collection method: clinical testing. Allele origin: germline. Affected: yes.
Comment: Nonsense variant predicted to result in protein truncation or nonsense mediated decay in a gene for which loss of function is a known mechanism of disease; Not observed at significant frequency in large population cohorts (gnomAD); This variant is associated with the following publications: (PMID: 32660532)

NM_005984.5(SLC25A1):c.628C>T (p.Arg210Ter)

Gene: SLC25A1 (solute carrier family 25 member 1; minus strand). Cytogenetic location: 22q11.21.
Variant type: single nucleotide variant.
Coding change: c.628C>T on transcript NM_005984.5 (MANE Select); coding-DNA position 628, C replaced by T.
Protein change: p.Arg210Ter; replaces arginine 210 with a stop codon.
Molecular consequence: nonsense. On other transcripts: non-coding transcript variant (1).
Genome position (GRCh38, 1-based): chr22:19,176,849, G>A on the plus strand (C>T on the coding strand, the complement: SLC25A1 is on the minus strand). VCF-style: chr22-19176849-G-A. GRCh37 (hg19) VCF-style: chr22-19164362-G-A.
Other names: c.649C>T, p.Arg217Ter (NM_001256534.2); c.319C>T, p.Arg107Ter (NM_001287387.2); short protein forms R107*, R210*, R217*.
Identifiers: ClinVar variation 2580443 (VCV002580443.1), dbSNP rs1314351369, ClinGen allele CA410636962.
Genomic context (GRCh38, chr22:19,176,849, plus strand): 5'-AAGGAGAGGAGAGGAGCTGGCCATGTGCAGAGATGGGGCCCTGTGATGCAGACACACCTC[G>A]GTACCAGTTGCGCAGGGAGGTCATGACGAAGAAGCGGATGGCCTGGTTCGAGCCCTGCTT-3'